The following is an entry in ClinVar:

NM_152703.5(SAMD9L):c.1846C>A (p.Leu616Met)

Gene: SAMD9L (sterile alpha motif domain containing 9 like; minus strand). Cytogenetic location: 7q21.2.
Variant type: single nucleotide variant.
Coding change: c.1846C>A on transcript NM_152703.5 (MANE Select); coding-DNA position 1846, C replaced by A.
Protein change: p.Leu616Met; replaces leucine 616 with methionine.
Molecular consequence: missense variant.
Genome position (GRCh38, 1-based): chr7:93,134,126, G>T on the plus strand (C>A on the coding strand, the complement: SAMD9L is on the minus strand). VCF-style: chr7-93134126-G-T. GRCh37 (hg19) VCF-style: chr7-92763439-G-T.
Other names: c.1846C>A, p.Leu616Met (NM_001303496.3, NM_001303497.3, NM_001303498.3 and 5 more transcripts); short protein forms L616M.
Identifiers: ClinVar variation 4863953 (VCV004863953.1).

ClinVar aggregate classification (germline): Uncertain significance (1 of 4 stars; one submission).

Conditions:
Inborn genetic diseases. Identifiers: MedGen C0950123, MeSH D030342.

gnomAD v4.1: 1 of 1,613,732 alleles (0.000062%); highest among the groups gnomAD compares: African/African-American, 0.0013%; no homozygotes.

Submission:

Ambry Genetics
Classification: Uncertain significance for Inborn genetic diseases. Last evaluated: 2026-04-20. Review status: criteria provided, single submitter. Criteria: Ambry Variant Classification Scheme 2023. Collection method: clinical testing. Allele origin: germline.
Comment: The p.L616M variant (also known as c.1846C>A), located in coding exon 1 of the SAMD9L gene, results from a C to A substitution at nucleotide position 1846. The leucine at codon 616 is replaced by methionine, an amino acid with highly similar properties. This amino acid position is conserved. In addition, this alteration is predicted to be tolerated by in silico analysis. Based on the available evidence, the clinical significance of this variant remains unclear.